The following is an entry in ClinVar:

NM_001367624.2(ZNF469):c.10088G>A (p.Arg3363His)

Genes: ZNF469 (zinc finger protein 469; plus strand), LOC130059719 (ATAC-STARR-seq lymphoblastoid silent region 7848; plus strand). Cytogenetic location: 16q24.2.
Variant type: single nucleotide variant.
Coding change: c.10088G>A on transcript NM_001367624.2 (MANE Select); coding-DNA position 10088, G replaced by A.
Protein change: p.Arg3363His; replaces arginine 3363 with histidine.
Molecular consequence: missense variant.
Genome position (GRCh38, 1-based): chr16:88,437,558, G>A. VCF-style: chr16-88437558-G-A. GRCh37 (hg19) VCF-style: chr16-88503966-G-A.
Other names: NM_001127464.1:c.10004G>A; short protein forms R3363H.
Identifiers: ClinVar variation 3232719 (VCV003232719.1), dbSNP rs1250343958, ClinGen allele CA397125647.
Genomic context (GRCh38, chr16:88,437,558, plus strand): 5'-GGAAGCGCTTCCCCAAGCCCTTCAAGCTGCAGCGCCACCTGGCGGTGCACAGCCCGCAGC[G>A]CGTCTACCTGTGCCCCCGGTGCCCCCGGGTCTACCCCGAGCACGGGGAGCTGCTGGCACA-3'
Protein context (NP_001354553.1, residues 3353-3373): QRHLAVHSPQ[Arg3363His]VYLCPRCPRV

ClinVar aggregate classification (germline): Uncertain significance (1 of 4 stars; one submission).

Conditions:
Cardiovascular phenotype. Identifiers: MedGen CN230736.

gnomAD v4.1: 3 of 1,537,992 alleles (0.0002%); highest among the groups gnomAD compares: South Asian, 0.0012%; no homozygotes.

Submission:

Ambry Genetics
Classification: Uncertain significance for Cardiovascular phenotype. Last evaluated: 2024-02-26. Review status: criteria provided, single submitter. Criteria: Ambry Variant Classification Scheme 2023. Collection method: clinical testing. Allele origin: germline.
Comment: The p.R3335H variant (also known as c.10004G>A), located in coding exon 2 of the ZNF469 gene, results from a G to A substitution at nucleotide position 10004. The arginine at codon 3335 is replaced by histidine, an amino acid with highly similar properties. This amino acid position is conserved. In addition, this alteration is predicted to be tolerated by in silico analysis. Based on the available evidence, the clinical significance of this alteration remains unclear.